The following is an entry in ClinVar:

ClinVar aggregate classification (germline): Uncertain significance (1 of 4 stars; one submission).

Allele frequency attached by ClinVar (database versions not stated): TOPMed 0.00002.

Submission:

CeGaT Center for Human Genetics Tuebingen
Classification: Uncertain significance. Last evaluated: 2022-10-01. Review status: criteria provided, single submitter. Criteria: CeGaT Center For Human Genetics Tuebingen Variant Classification Criteria Version 2. Collection method: clinical testing. Allele origin: germline. Affected: yes. Observed: 1 variant allele.
Comment: XIAP: PM2, BP4

NM_001167.4(XIAP):c.1142G>A (p.Arg381Gln)

Gene: XIAP (X-linked inhibitor of apoptosis; plus strand). Cytogenetic location: Xq25.
Variant type: single nucleotide variant.
Coding change: c.1142G>A on transcript NM_001167.4 (MANE Select); coding-DNA position 1142, G replaced by A.
Protein change: p.Arg381Gln; replaces arginine 381 with glutamine.
Molecular consequence: missense variant. On other transcripts: non-coding transcript variant (2).
Genome position (GRCh38, 1-based): chrX:123,900,535, G>A. VCF-style: chrX-123900535-G-A. GRCh37 (hg19) VCF-style: chrX-123034385-G-A.
Other names: c.1142G>A, p.Arg381Gln (NM_001204401.2, NM_001378590.1, NM_001378591.1 and 1 more transcripts); short protein forms R381Q.
Identifiers: ClinVar variation 2661352 (VCV002661352.24), dbSNP rs1308142786, ClinGen allele CA414126971.
Genomic context (GRCh38, chrX:123,900,535, plus strand): 5'-CACCAATTTTTATTTCAGATGATACCATCTTCCAAAATCCTATGGTACAAGAAGCTATAC[G>A]AATGGGGTTCAGTTTCAAGGACATTAAGAAAATAATGGAGGAAAAAATTCAGATATCTGG-3'
Protein context (NP_001158.2, residues 371-391): FQNPMVQEAI[Arg381Gln]MGFSFKDIKK